The following is an entry in ClinVar:

ClinVar aggregate classification (germline): Likely pathogenic (1 of 4 stars; one submission).

Conditions:
Hereditary spastic paraplegia 15 (SPG15). Also called: SPASTIC PARAPLEGIA 15, AUTOSOMAL RECESSIVE; KJELLIN SYNDROME; SPASTIC PARAPLEGIA AND RETINAL DEGENERATION. Identifiers: Orphanet 100996, MedGen C1849128, MONDO:0010044, OMIM 270700.

Submission:

Myriad Genetics, Inc.
Classification: Likely pathogenic for Hereditary spastic paraplegia 15. Last evaluated: 2022-02-19. Review status: criteria provided, single submitter. Criteria: Myriad Women's Health Autosomal Recessive and X-Linked Classification Criteria (2021). Collection method: clinical testing. Allele origin: unknown.
Comment: NM_015346.3(ZFYVE26):c.1557_1558delCCinsT(Q520Sfs*94) is expected to be pathogenic in the context of spastic paraplegia type 15. This variant is predicted to lead to an abnormal or absent protein product due to the creation of a premature termination codon in ZFYVE26, a gene where loss-of-function variants are known to be pathogenic. Please note: this variant was assessed in the context of healthy population screening.

NM_015346.4(ZFYVE26):c.1557_1558delinsT (p.Gln520fs)

Gene: ZFYVE26 (zinc finger FYVE-type containing 26; minus strand). Cytogenetic location: 14q24.1.
Variant type: Indel.
Coding change: c.1557_1558delinsT on transcript NM_015346.4 (MANE Select); coding-DNA positions 1557 to 1558, CC replaced by T.
Protein change: p.Gln520fs; shifts the reading frame from glutamine 520.
Molecular consequence: frameshift variant.
Genome position (GRCh38, 1-based): chr14:67,802,160-67,802,161, GG replaced by A on the plus strand (CC replaced by T on the coding strand, the reverse complement: ZFYVE26 is on the minus strand). VCF-style: chr14-67802160-GG-A. GRCh37 (hg19) VCF-style: chr14-68268877-GG-A.
Other names: short protein forms Q520fs.
Identifiers: ClinVar variation 1724526 (VCV001724526.2), dbSNP rs2502866869, ClinGen allele CA2580088653.
Genomic context (GRCh38, chr14:67,802,160, plus strand): 5'-TCGCTGGCTCTGTAGCTGAGGCCAGGTCCTCAGAGAGGCTGTCTTTGCAGTCCTGGCACT[GG>A]GAGTGCTGGTGTGAGTTTACACAGAGGGCATAGATGGCATACTTCATGGCACAGAAGCCC-3'